The following is an entry in ClinVar:

NM_001134363.3(RBM20):c.1766G>A (p.Arg589Gln)

Gene: RBM20 (RNA binding motif protein 20; plus strand). Cytogenetic location: 10q25.2.
Variant type: single nucleotide variant.
Coding change: c.1766G>A on transcript NM_001134363.3 (MANE Select); coding-DNA position 1766, G replaced by A.
Protein change: p.Arg589Gln; replaces arginine 589 with glutamine.
Molecular consequence: missense variant.
Genome position (GRCh38, 1-based): chr10:110,799,884, G>A. VCF-style: chr10-110799884-G-A. GRCh37 (hg19) VCF-style: chr10-112559642-G-A.
Other names: c.1766G>A (NM_001134363.1); short protein forms R589Q.
Identifiers: ClinVar variation 572439 (VCV000572439.15), dbSNP rs368716639, ClinGen allele CA5688627.

ClinVar aggregate classification (germline): Conflicting classifications of pathogenicity. Review status: criteria provided, conflicting classifications (1 of 4 stars). 4 submissions from 4 submitters: Uncertain significance (3); Likely benign (1). Last evaluated 2025-12-14.

Conditions:
Cardiomyopathy (CMYO). Also called: Cardiomyopathies. Identifiers: Orphanet 167848, MedGen C0878544, MONDO:0004994, HP:0001638. Inheritance: Various modes of inheritance.
Dilated cardiomyopathy 1DD (CMD1DD). Identifiers: Orphanet 154, MedGen C2750995, MONDO:0013168, OMIM 613172.
Cardiovascular phenotype. Identifiers: MedGen CN230736.

Allele frequency attached by ClinVar (database versions not stated): TOPMed 0.00006.

Submissions (4):

Labcorp Genetics (formerly Invitae), Labcorp
Classification: Likely benign for Dilated cardiomyopathy 1DD. Last evaluated: 2025-12-14. Review status: criteria provided, single submitter. Criteria: Invitae Variant Classification Sherloc (09022015). Collection method: clinical testing. Allele origin: germline.

Ambry Genetics
Classification: Uncertain significance for Cardiovascular phenotype. Last evaluated: 2025-02-26. Review status: criteria provided, single submitter. Criteria: Ambry Variant Classification Scheme 2023. Collection method: clinical testing. Allele origin: germline.
Comment: The p.R589Q variant (also known as c.1766G>A), located in coding exon 7 of the RBM20 gene, results from a G to A substitution at nucleotide position 1766. The arginine at codon 589 is replaced by glutamine, an amino acid with highly similar properties. This alteration has been reported in a hypertrophic cardiomyopathy (HCM) cohort; however, clinical details were limited (Lopes LR et al. Heart, 2015 Feb;101:294-301). This amino acid position is highly conserved in available vertebrate species. In addition, the in silico prediction for this alteration is inconclusive. Based on the available evidence, the clinical significance of this variant remains unclear.

Fulgent Genetics
Classification: Uncertain significance for Dilated cardiomyopathy 1DD. Last evaluated: 2024-05-20. Review status: criteria provided, single submitter. Criteria: ACMG Guidelines, 2015. Collection method: clinical testing. Allele origin: germline.

CHEO Genetics Diagnostic Laboratory, Children's Hospital of Eastern Ontario
Classification: Uncertain significance for Cardiomyopathy. Last evaluated: 2023-06-01. Review status: criteria provided, single submitter. Criteria: ACMG Guidelines, 2015. Collection method: clinical testing. Allele origin: germline.

Literature cited by the submitters: PubMed 25351510 (cited by Ambry Genetics).